The following is an entry in ClinVar:

ClinVar aggregate classification (germline): Benign/Likely benign. Review status: criteria provided, multiple submitters, no conflicts (2 of 4 stars). 3 submissions from 3 submitters: Benign (1); Likely benign (1). 1 of the submissions does not count toward it. Last evaluated 2025-12-24.

Conditions:
LEMD2-related disorder. Also called: LEMD2-related condition.

Allele frequency attached by ClinVar (database versions not stated): gnomAD exomes 0.00020 and 0.00025; gnomAD 0.00219 and 0.00229; TOPMed 0.00220; 1000 Genomes Project 0.00399; ExAC 0.00400; 1000 Genomes Project 30x 0.00437.
gnomAD v4.1: 616 of 1,296,238 alleles (0.048%); highest among the groups gnomAD compares: African/African-American, 0.9%; 3 homozygotes.

Submissions (3):

Labcorp Genetics (formerly Invitae), Labcorp
Classification: Benign. Last evaluated: 2025-12-24. Review status: criteria provided, single submitter. Criteria: Invitae Variant Classification Sherloc (09022015). Collection method: clinical testing. Allele origin: germline.

Blueprint Genetics
Classification: Likely benign. Last evaluated: 2024-07-15. Review status: criteria provided, single submitter. Criteria: ACMG Guidelines, 2015. Collection method: clinical testing. Allele origin: germline.

PreventionGenetics, part of Exact Sciences
Classification: Benign for LEMD2-related condition. Last evaluated: 2019-06-26. Review status: no assertion criteria provided. Collection method: clinical testing. Allele origin: germline. Not counted in ClinVar's aggregate classification.
Comment: This variant is classified as benign based on ACMG/AMP sequence variant interpretation guidelines (Richards et al. 2015 PMID: 25741868, with internal and published modifications).

NM_181336.4(LEMD2):c.462C>T (p.Gly154=)

Gene: LEMD2 (LEM domain nuclear envelope protein 2; minus strand). Cytogenetic location: 6p21.31.
Variant type: single nucleotide variant.
Coding change: c.462C>T on transcript NM_181336.4 (MANE Select); coding-DNA position 462, C replaced by T.
Protein change: p.Gly154=; no amino-acid change (glycine 154 retained).
Molecular consequence: synonymous variant. On other transcripts: intron variant (2).
Genome position (GRCh38, 1-based): chr6:33,788,655, G>A on the plus strand (C>T on the coding strand, the complement: LEMD2 is on the minus strand). VCF-style: chr6-33788655-G-A. GRCh37 (hg19) VCF-style: chr6-33756432-G-A.
Other names: c.342+120C>T (NM_001348710.2); c.-171+120C>T (NM_001348709.2).
Identifiers: ClinVar variation 716352 (VCV000716352.7), dbSNP rs541228010, ClinGen allele CA3763313.